The following is an entry in ClinVar:

ClinVar aggregate classification (germline): Uncertain significance. Review status: criteria provided, multiple submitters, no conflicts (2 of 4 stars). 2 submissions from 2 submitters: Uncertain significance (2). Last evaluated 2025-08-09.

Submissions (2):

Labcorp Genetics (formerly Invitae), Labcorp
Classification: Uncertain significance. Last evaluated: 2025-08-09. Review status: criteria provided, single submitter. Criteria: Invitae Variant Classification Sherloc (09022015). Collection method: clinical testing. Allele origin: germline.
Comment: This sequence change replaces valine, which is neutral and non-polar, with isoleucine, which is neutral and non-polar, at codon 129 of the TSPAN12 protein (p.Val129Ile). This variant is not present in population databases (gnomAD no frequency). This variant has not been reported in the literature in individuals affected with TSPAN12-related conditions. An algorithm developed to predict the effect of missense changes on protein structure and function outputs the following: PolyPhen-2: "Benign". The isoleucine amino acid residue is found in multiple mammalian species, which suggests that this missense change does not adversely affect protein function. In summary, the available evidence is currently insufficient to determine the role of this variant in disease. Therefore, it has been classified as a Variant of Uncertain Significance.

Blueprint Genetics
Classification: Uncertain significance. Last evaluated: 2017-09-07. Review status: criteria provided, single submitter. Criteria: ACMG Guidelines, 2015. Collection method: clinical testing. Allele origin: germline.

NM_012338.4(TSPAN12):c.385G>A (p.Val129Ile)

Gene: TSPAN12 (tetraspanin 12; minus strand). Cytogenetic location: 7q31.31.
Variant type: single nucleotide variant.
Coding change: c.385G>A on transcript NM_012338.4 (MANE Select); coding-DNA position 385, G replaced by A.
Protein change: p.Val129Ile; replaces valine 129 with isoleucine.
Molecular consequence: missense variant.
Genome position (GRCh38, 1-based): chr7:120,810,546, C>T on the plus strand (G>A on the coding strand, the complement: TSPAN12 is on the minus strand). VCF-style: chr7-120810546-C-T. GRCh37 (hg19) VCF-style: chr7-120450600-C-T.
Other names: short protein forms V129I.
Identifiers: ClinVar variation 4724818 (VCV004724818.2).